The following is an entry in ClinVar:

NC_000017.10:g.(?_29687495)_(29701173_?)dup

Gene: NF1 (neurofibromin 1; plus strand). Cytogenetic location: 17q11.2.
Variant type: Duplication.
Identifiers: ClinVar variation 1014532 (VCV001014532.3).

ClinVar aggregate classification (germline): Uncertain significance (1 of 4 stars; one submission).

Conditions:
Neurofibromatosis, type 1 (NF1). Also called: VON RECKLINGHAUSEN DISEASE; Neurofibromatosis, type I; NEUROFIBROMATOSIS, TYPE I, SOMATIC; Peripheral type neurofibromatosis. Identifiers: Orphanet 636, MedGen C0027831, MONDO:0018975, OMIM 162200. Disease mechanism: loss of function.

Submission:

Labcorp Genetics (formerly Invitae), Labcorp
Classification: Uncertain significance for Neurofibromatosis, type 1. Last evaluated: 2022-02-19. Review status: criteria provided, single submitter. Criteria: Invitae Variant Classification Sherloc (09022015). Collection method: clinical testing. Allele origin: germline.
Comment: In summary, the available evidence is currently insufficient to determine the role of this variant in disease. Therefore, it has been classified as a Variant of Uncertain Significance. Experimental studies and prediction algorithms are not available or were not evaluated, and the functional significance of this variant is currently unknown. This variant has not been reported in the literature in individuals affected with NF1-related conditions. This variant results in a copy number gain of the genomic region encompassing exon(s) 56-57 of the NF1 gene. While the exact position of this variant cannot be determined from the data, sub-genic copy number gains are generally in tandem (PMID: 25640679). This variant is predicted to be in-frame, and likely preserves the integrity of the reading frame.

Literature cited by the submitters: PubMed 25640679.